The following is an entry in ClinVar:

ClinVar aggregate classification (germline): Pathogenic. Review status: reviewed by expert panel (3 of 4 stars). 7 submissions from 7 submitters: Pathogenic (1). 6 of the submissions do not count toward it. Last evaluated 2016-09-08.

Conditions:
Hereditary cancer-predisposing syndrome. Also called: Neoplastic Syndromes, Hereditary; Hereditary neoplastic syndrome; Hereditary Cancer Syndrome; Tumor predisposition. Identifiers: Orphanet 140162, MedGen C0027672, MeSH D009386, MONDO:0015356.
Hereditary breast ovarian cancer syndrome. Also called: BRCA1- and BRCA2-Associated Hereditary Breast and Ovarian Cancer; Hereditary breast and ovarian cancer syndrome (HBOC); Hereditary breast and ovarian cancer syndrome; Hereditary breast and/or ovarian cancer syndrome; Breast and ovarian cancer; Hereditary breast and ovarian cancer. Identifiers: Orphanet 145, MedGen C0677776, MeSH D061325, MONDO:0003582. Disease mechanism: loss of function.
Breast-ovarian cancer, familial, susceptibility to, 2 (BROVCA2). Also called: BRCA2 Hereditary Breast and Ovarian Cancer. Identifiers: Orphanet 145, MedGen C2675520, MONDO:0012933, OMIM 612555. Disease mechanism: loss of function.

Submissions (7):

Evidence-based Network for the Interpretation of Germline Mutant Alleles (ENIGMA)
Classification: Pathogenic for Breast-ovarian cancer, familial, susceptibility to, 2. Last evaluated: 2016-09-08. Review status: reviewed by expert panel. Criteria: ENIGMA BRCA1/2 Classification Criteria (2015). Collection method: curation. Allele origin: germline.
Comment: Variant allele predicted to encode a truncated non-functional protein.

Ambry Genetics
Classification: Pathogenic for Hereditary cancer-predisposing syndrome. Last evaluated: 2026-06-16. Review status: criteria provided, single submitter. Criteria: Ambry Variant Classification Scheme 2023. Collection method: clinical testing. Allele origin: germline. Not counted in ClinVar's aggregate classification.
Comment: The c.8053delA pathogenic mutation, located in coding exon 17 of the BRCA2 gene, results from a deletion of one nucleotide at nucleotide position 8053, causing a translational frameshift with a predicted alternate stop codon (p.T2685Hfs*9). This variant is considered to be rare based on population cohorts in the Genome Aggregation Database (gnomAD). This alteration is expected to result in loss of function by premature protein truncation or nonsense-mediated mRNA decay. As such, this alteration is interpreted as a disease-causing mutation.

Labcorp Genetics (formerly Invitae), Labcorp
Classification: Pathogenic for Hereditary breast ovarian cancer syndrome. Last evaluated: 2023-07-15. Review status: criteria provided, single submitter. Criteria: Invitae Variant Classification Sherloc (09022015). Collection method: clinical testing. Allele origin: germline. Not counted in ClinVar's aggregate classification.
Comment: This variant is not present in population databases (gnomAD no frequency). For these reasons, this variant has been classified as Pathogenic. ClinVar contains an entry for this variant (Variation ID: 52486). This premature translational stop signal has been observed in individual(s) with a personal and/or family history of breast or ovarian cancer (PMID: 22762150, 24156927, 24549055). This sequence change creates a premature translational stop signal (p.Thr2685Hisfs*9) in the BRCA2 gene. It is expected to result in an absent or disrupted protein product. Loss-of-function variants in BRCA2 are known to be pathogenic (PMID: 20104584).

Color Diagnostics, LLC DBA Color Health
Classification: Pathogenic for Hereditary cancer-predisposing syndrome. Last evaluated: 2020-10-19. Review status: criteria provided, single submitter. Criteria: ACMG Guidelines, 2015. Collection method: clinical testing. Allele origin: germline. Not counted in ClinVar's aggregate classification.
Comment: This variant deletes 1 nucleotide in exon 18 of the BRCA2 gene, creating a frameshift and premature translation stop signal. This variant is expected to result in an absent or non-functional protein product. To our knowledge, functional studies have not been reported for this variant. This variant has been reported in individuals affected with breast/ovarian cancer (PMID: 22762150, 24156927, 24549055, 29084914). This variant has not been identified in the general population by the Genome Aggregation Database (gnomAD). Loss of BRCA2 function is a known mechanism of disease. Based on the available evidence, this variant is classified as Pathogenic.

Quest Diagnostics Nichols Institute San Juan Capistrano
Classification: Pathogenic. Last evaluated: 2019-02-18. Review status: criteria provided, single submitter. Criteria: Quest Diagnostics criteria. Collection method: clinical testing. Allele origin: germline. Not counted in ClinVar's aggregate classification.
Comment: The variant results in a shift of the reading frame, and is therefore predicted to result in the loss of a functional protein. Found in at least one symptomatic patient, and not found in general population data.

Consortium of Investigators of Modifiers of BRCA1/2 (CIMBA), c/o University of Cambridge
Classification: Pathogenic for Breast-ovarian cancer, familial, susceptibility to, 2. Last evaluated: 2015-10-02. Review status: criteria provided, single submitter. Criteria: CIMBA Mutation Classification guidelines May 2016. Collection method: clinical testing. Allele origin: germline. Not counted in ClinVar's aggregate classification.

Research Molecular Genetics Laboratory, Women's College Hospital, University of Toronto
Classification: Pathogenic for Hereditary breast ovarian cancer syndrome. Last evaluated: 2014-01-31. Review status: no assertion criteria provided. Collection method: research. Allele origin: germline. Affected: yes. Study: The Canadian Open Genetics Repository (COGR). Not counted in ClinVar's aggregate classification.

Literature cited by the submitters: PubMed 22762150 (cited by Labcorp Genetics (formerly Invitae), Labcorp and Quest Diagnostics Nichols Institute San Juan Capistrano); PubMed 24156927 (cited by Labcorp Genetics (formerly Invitae), Labcorp and Quest Diagnostics Nichols Institute San Juan Capistrano); PubMed 24549055 (cited by Labcorp Genetics (formerly Invitae), Labcorp); PubMed 20104584 (cited by Labcorp Genetics (formerly Invitae), Labcorp); PubMed 29084914 (cited by Quest Diagnostics Nichols Institute San Juan Capistrano); PubMed 29446198 (cited by Quest Diagnostics Nichols Institute San Juan Capistrano).

NM_000059.4(BRCA2):c.8053del (p.Thr2685fs)

Gene: BRCA2 (BRCA2 DNA repair associated; plus strand). Cytogenetic location: 13q13.1.
Variant type: Deletion.
Coding change: c.8053del on transcript NM_000059.4 (MANE Select); coding-DNA position 8053, one base deleted (A; older notation c.8053delA).
Protein change: p.Thr2685fs; shifts the reading frame from threonine 2685.
Molecular consequence: frameshift variant.
Genome position (GRCh38, 1-based): chr13:32,363,255, A deleted; the last of 5 consecutive A bases (chr13:32,363,251-32,363,255); deleting any one gives the same sequence. VCF-style (leftmost placement, unchanged base first): chr13-32363250-CA-C. GRCh37 (hg19) VCF-style: chr13-32937387-CA-C.
Other names: c.8053delA (NM_000059.3).
Identifiers: ClinVar variation 52486 (VCV000052486.20), dbSNP rs397507958, ClinGen allele CA025423.